The following is an entry in ClinVar:

ClinVar aggregate classification (germline): Conflicting classifications of pathogenicity. Review status: criteria provided, conflicting classifications (1 of 4 stars). 6 submissions from 6 submitters: Uncertain significance (1); Likely benign (4). 1 of the submissions does not count toward it. Last evaluated 2026-02-01.

Conditions:
Dyskeratosis congenita, autosomal recessive 5 (DKCB5). Identifiers: MedGen C3554656, MONDO:0014076, OMIM 615190.
Pulmonary fibrosis and/or bone marrow failure, Telomere-related, 3. Also called: PULMONARY FIBROSIS AND/OR BONE MARROW FAILURE SYNDROME, TELOMERE-RELATED, 3. Identifiers: Orphanet 2032, MedGen C4225346, MONDO:0014613, OMIM 616373.
Dyskeratosis congenita. Identifiers: Orphanet 1775, MedGen C0265965, MONDO:0015780.
Inborn genetic diseases. Identifiers: MedGen C0950123, MeSH D030342.

Allele frequency attached by ClinVar (database versions not stated): gnomAD 0.00001; gnomAD exomes 0.00001 and 0.00002; ExAC 0.00003; TOPMed 0.00004.
gnomAD v4.1: 14 of 1,603,102 alleles (0.00087%); highest among the groups gnomAD compares: East Asian, 0.027%; no homozygotes.

Submissions (6):

Labcorp Genetics (formerly Invitae), Labcorp
Classification: Likely benign for Dyskeratosis congenita, autosomal recessive 5; Pulmonary fibrosis and/or bone marrow failure, Telomere-related, 3. Last evaluated: 2026-02-01. Review status: criteria provided, single submitter. Criteria: Invitae Variant Classification Sherloc (09022015). Collection method: clinical testing. Allele origin: germline.

Mayo Clinic Laboratories, Mayo Clinic
Classification: Likely benign. Last evaluated: 2025-10-26. Review status: criteria provided, single submitter. Criteria: ACMG Guidelines, 2015. Collection method: clinical testing. Allele origin: germline. Observed: 1 variant allele.
Comment: BP4, BP7

Ambry Genetics
Classification: Likely benign for Inborn genetic diseases. Last evaluated: 2024-12-07. Review status: criteria provided, single submitter. Criteria: Ambry Variant Classification Scheme 2023. Collection method: clinical testing. Allele origin: germline.

GeneDx
Classification: Uncertain significance. Last evaluated: 2024-04-30. Review status: criteria provided, single submitter. Criteria: GeneDx Variant Classification Process June 2021. Collection method: clinical testing. Allele origin: germline. Affected: yes.
Comment: Not observed at significant frequency in large population cohorts (gnomAD); In silico analysis indicates that this variant does not alter splicing; Has not been previously published as pathogenic or benign to our knowledge

CeGaT Center for Human Genetics Tuebingen
Classification: Likely benign. Last evaluated: 2022-10-01. Review status: criteria provided, single submitter. Criteria: CeGaT Center For Human Genetics Tuebingen Variant Classification Criteria Version 2. Collection method: clinical testing. Allele origin: germline. Affected: yes. Observed: 1 variant allele.
Comment: RTEL1: BP4, BP7

Natera, Inc.
Classification: Likely benign for Dyskeratosis congenita. Last evaluated: 2021-05-10. Review status: no assertion criteria provided. Collection method: clinical testing. Allele origin: germline. Not counted in ClinVar's aggregate classification.

NM_001283009.2(RTEL1):c.3087G>A (p.Leu1029=)

Genes: RTEL1 (regulator of telomere elongation helicase 1; plus strand), RTEL1-TNFRSF6B (RTEL1-TNFRSF6B readthrough (NMD candidate); plus strand). Cytogenetic location: 20q13.33.
Variant type: single nucleotide variant.
Coding change: c.3087G>A on transcript NM_001283009.2 (MANE Select); coding-DNA position 3087, G replaced by A.
Protein change: p.Leu1029=; no amino-acid change (leucine 1029 retained).
Molecular consequence: synonymous variant. On other transcripts: non-coding transcript variant (1).
Genome position (GRCh38, 1-based): chr20:63,694,466, G>A. VCF-style: chr20-63694466-G-A. GRCh37 (hg19) VCF-style: chr20-62325819-G-A.
Other names: p.Leu1029=; c.3159G>A (NM_032957.4); c.2418G>A, p.Leu806= (NM_001283010.1); c.3087G>A, p.Leu1029= (NM_016434.4); c.3159G>A, p.Leu1053= (NM_032957.5).
Identifiers: ClinVar variation 792250 (VCV000792250.43), dbSNP rs753147923, ClinGen allele CA9965827.